The following is an entry in ClinVar:

ClinVar aggregate classification (germline): Benign. Review status: criteria provided, single submitter (1 of 4 stars). 2 submissions from 2 submitters: Benign (1). 1 of the submissions does not count toward it. Last evaluated 2025-12-13.

Conditions:
SUCO-related disorder. Also called: SUCO-related condition.

Allele frequency attached by ClinVar (database versions not stated): gnomAD exomes 0.00047 and 0.00188; 1000 Genomes Project 30x 0.00515; 1000 Genomes Project 0.00559; gnomAD 0.00076 and 0.00103; TOPMed 0.00109; ExAC 0.00180.
gnomAD v4.1: 955 of 1,610,750 alleles (0.059%); highest among the groups gnomAD compares: East Asian, 1.7%; 12 homozygotes.

Submissions (2):

Labcorp Genetics (formerly Invitae), Labcorp
Classification: Benign. Last evaluated: 2025-12-13. Review status: criteria provided, single submitter. Criteria: Invitae Variant Classification Sherloc (09022015). Collection method: clinical testing. Allele origin: germline.

PreventionGenetics, part of Exact Sciences
Classification: Benign for SUCO-related condition. Last evaluated: 2019-12-06. Review status: no assertion criteria provided. Collection method: clinical testing. Allele origin: germline. Not counted in ClinVar's aggregate classification.
Comment: This variant is classified as benign based on ACMG/AMP sequence variant interpretation guidelines (Richards et al. 2015 PMID: 25741868, with internal and published modifications).

NM_014283.5(SUCO):c.1425G>A (p.Glu475=)

Gene: SUCO (SUN domain containing ossification factor; plus strand). Cytogenetic location: 1q24.3.
Variant type: single nucleotide variant.
Coding change: c.1425G>A on transcript NM_014283.5 (MANE Select); coding-DNA position 1425, G replaced by A.
Protein change: p.Glu475=; no amino-acid change (glutamic acid 475 retained).
Molecular consequence: synonymous variant. On other transcripts: 5 prime UTR variant (1).
Genome position (GRCh38, 1-based): chr1:172,578,382, G>A. VCF-style: chr1-172578382-G-A. GRCh37 (hg19) VCF-style: chr1-172547522-G-A.
Other names: c.1314G>A, p.Glu438= (NM_001282750.2); c.-105G>A (NM_001282751.2); c.1878G>A, p.Glu626= (NM_016227.4); c.1878G>A (NM_016227.3).
Identifiers: ClinVar variation 1598235 (VCV001598235.10), dbSNP rs12033849, ClinGen allele CA1246860.